The following is an entry in ClinVar:

ClinVar aggregate classification (germline): Benign. Review status: criteria provided, multiple submitters, no conflicts (2 of 4 stars). 3 submissions from 3 submitters: Benign (3). Last evaluated 2026-02-01.

Conditions:
Periventricular nodular heterotopia 6 (PVNH6). Identifiers: Orphanet 2149, MedGen C3809872, MONDO:0014240, OMIM 615544.

Allele frequency attached by ClinVar (database versions not stated): TOPMed 0.07109; ESP Exome Variant Server 0.07404; 1000 Genomes Project 0.07847; 1000 Genomes Project 30x 0.07933; gnomAD 0.08157.
gnomAD v4.1: 122,858 of 1,613,750 alleles (7.6%); highest among the groups gnomAD compares: East Asian, 12%; 4,916 homozygotes.

Submissions (3):

Labcorp Genetics (formerly Invitae), Labcorp
Classification: Benign. Last evaluated: 2026-02-01. Review status: criteria provided, single submitter. Criteria: Invitae Variant Classification Sherloc (09022015). Collection method: clinical testing. Allele origin: germline.

Genome-Nilou Lab
Classification: Benign for Periventricular nodular heterotopia 6. Last evaluated: 2021-05-18. Review status: criteria provided, single submitter. Criteria: ACMG Guidelines, 2015. Collection method: clinical testing. Allele origin: germline. Affected: no.

GeneDx
Classification: Benign. Last evaluated: 2016-01-27. Review status: criteria provided, single submitter. Criteria: GeneDx Variant Classification (06012015). Collection method: clinical testing. Allele origin: germline. Affected: yes.
Comment: This variant is considered likely benign or benign based on one or more of the following criteria: it is a conservative change, it occurs at a poorly conserved position in the protein, it is predicted to be benign by multiple in silico algorithms, and/or has population frequency not consistent with disease.

NM_018341.3(ERMARD):c.1505G>A (p.Arg502His)

Gene: ERMARD (ER membrane associated RNA degradation; plus strand). Cytogenetic location: 6q27.
Variant type: single nucleotide variant.
Coding change: c.1505G>A on transcript NM_018341.3 (MANE Select); coding-DNA position 1505, G replaced by A.
Protein change: p.Arg502His; replaces arginine 502 with histidine.
Molecular consequence: missense variant.
Genome position (GRCh38, 1-based): chr6:169,776,050, G>A. VCF-style: chr6-169776050-G-A. GRCh37 (hg19) VCF-style: chr6-170176146-G-A.
Other names: c.1505G>A, p.Arg502His (NM_001278531.2, NM_001278533.2); c.1127G>A, p.Arg376His (NM_001278532.2); short protein forms R502H, R376H.
Identifiers: ClinVar variation 380785 (VCV000380785.12), dbSNP rs41265401, ClinGen allele CA4106290.